The following is an entry in ClinVar:

NM_001999.4(FBN2):c.5569G>A (p.Gly1857Ser)

Gene: FBN2 (fibrillin 2; minus strand). Cytogenetic location: 5q23.3.
Variant type: single nucleotide variant.
Coding change: c.5569G>A on transcript NM_001999.4 (MANE Select); coding-DNA position 5569, G replaced by A.
Protein change: p.Gly1857Ser; replaces glycine 1857 with serine.
Molecular consequence: missense variant.
Genome position (GRCh38, 1-based): chr5:128,305,616, C>T on the plus strand (G>A on the coding strand, the complement: FBN2 is on the minus strand). VCF-style: chr5-128305616-C-T. GRCh37 (hg19) VCF-style: chr5-127641308-C-T.
Other names: short protein forms G1857S.
Identifiers: ClinVar variation 1405264 (VCV001405264.8), dbSNP rs2126838900, ClinGen allele CA360740612.
Genomic context (GRCh38, chr5:128,305,616, plus strand): 5'-CACAGCGGTAACTACCAGGACTATTGATGCAGTCTGCATTCCGCTGGCAGAGATTATCAC[C>T]ATTGCTGCACTCATCTATATCTGAAAGAGCAACAATTCCATTTTAAAGAGTCCTTTTTAG-3'
Protein context (NP_001990.2, residues 1847-1867): VCEDIDECSN[Gly1857Ser]DNLCQRNADC

ClinVar aggregate classification (germline): Uncertain significance (1 of 4 stars; one submission).

Conditions:
Congenital contractural arachnodactyly (CCA). Also called: BEALS SYNDROME; Beals-Hecht syndrome; Arthrogryposis, distal, type 9. Identifiers: Orphanet 115, MedGen C0220668, MONDO:0007363, OMIM 121050.

Submission:

Labcorp Genetics (formerly Invitae), Labcorp
Classification: Uncertain significance for Congenital contractural arachnodactyly. Last evaluated: 2021-05-09. Review status: criteria provided, single submitter. Criteria: Invitae Variant Classification Sherloc (09022015). Collection method: clinical testing. Allele origin: germline.
Comment: In summary, the available evidence is currently insufficient to determine the role of this variant in disease. Therefore, it has been classified as a Variant of Uncertain Significance. Advanced modeling of protein sequence and biophysical properties (such as structural, functional, and spatial information, amino acid conservation, physicochemical variation, residue mobility, and thermodynamic stability) performed at Invitae indicates that this missense variant is not expected to disrupt FBN2 protein function. This variant has not been reported in the literature in individuals with FBN2-related conditions. This variant is not present in population databases (ExAC no frequency). This sequence change replaces glycine with serine at codon 1857 of the FBN2 protein (p.Gly1857Ser). The glycine residue is highly conserved and there is a small physicochemical difference between glycine and serine.